The following is an entry in ClinVar:

ClinVar aggregate classification (germline): Uncertain significance (1 of 4 stars; one submission).

Conditions:
EPILEPSY, CHILDHOOD ABSENCE, SUSCEPTIBILITY TO, 2 (ECA2). Identifiers: Orphanet 64280, MedGen C1843244, OMIM 607681.
Febrile seizures, familial, 8 (FEB8). Also called: CONVULSIONS, FAMILIAL FEBRILE, 8. Identifiers: Orphanet 36387, MedGen C1969810, MONDO:0011891, OMIM 607681.

Allele frequency attached by ClinVar (database versions not stated): gnomAD exomes below 0.00001.
gnomAD v4.1: 1 of 1,612,642 alleles (0.000062%); highest among the groups gnomAD compares: South Asian, 0.0011%; no homozygotes.

Submission:

Labcorp Genetics (formerly Invitae), Labcorp
Classification: Uncertain significance for Febrile seizures, familial, 8; EPILEPSY, CHILDHOOD ABSENCE, SUSCEPTIBILITY TO, 2. Last evaluated: 2024-11-11. Review status: criteria provided, single submitter. Criteria: Invitae Variant Classification Sherloc (09022015). Collection method: clinical testing. Allele origin: germline.
Comment: This sequence change replaces threonine, which is neutral and polar, with proline, which is neutral and non-polar, at codon 9 of the GABRG2 protein (p.Thr9Pro). This variant is not present in population databases (gnomAD no frequency). This variant has not been reported in the literature in individuals affected with GABRG2-related conditions. ClinVar contains an entry for this variant (Variation ID: 1381892). Invitae Evidence Modeling of protein sequence and biophysical properties (such as structural, functional, and spatial information, amino acid conservation, physicochemical variation, residue mobility, and thermodynamic stability) indicates that this missense variant is not expected to disrupt GABRG2 protein function with a negative predictive value of 95%. In summary, the available evidence is currently insufficient to determine the role of this variant in disease. Therefore, it has been classified as a Variant of Uncertain Significance.

NM_198904.4(GABRG2):c.25A>C (p.Thr9Pro)

Gene: GABRG2 (gamma-aminobutyric acid type A receptor subunit gamma2; plus strand). Cytogenetic location: 5q34.
Variant type: single nucleotide variant.
Coding change: c.25A>C on transcript NM_198904.4 (MANE Select); coding-DNA position 25, A replaced by C.
Protein change: p.Thr9Pro; replaces threonine 9 with proline.
Molecular consequence: missense variant. On other transcripts: 5 prime UTR variant (3), intron variant (3).
Genome position (GRCh38, 1-based): chr5:162,068,024, A>C. VCF-style: chr5-162068024-A-C. GRCh37 (hg19) VCF-style: chr5-161495030-A-C.
Other names: c.25A>C, p.Thr9Pro (NM_000816.3, NM_001375339.1, NM_001375340.1 and 5 more transcripts); c.-334A>C (NM_001375348.1, NM_001375350.1); c.-382A>C (NM_001375349.1); c.-3-39A>C (NM_001375346.1, NM_001375345.1); c.20+383A>C (NM_001375347.1); short protein forms T9P.
Identifiers: ClinVar variation 1381892 (VCV001381892.6), dbSNP rs2113080489, ClinGen allele CA362181751.